The following is an entry in ClinVar:

NM_000051.4(ATM):c.8308T>A (p.Cys2770Ser)

Genes: ATM (ATM serine/threonine kinase; plus strand), C11orf65 (chromosome 11 open reading frame 65; minus strand). Cytogenetic location: 11q22.3.
Variant type: single nucleotide variant.
Coding change: c.8308T>A on transcript NM_000051.4 (MANE Select); coding-DNA position 8308, T replaced by A.
Protein change: p.Cys2770Ser; replaces cysteine 2770 with serine.
Molecular consequence: missense variant. On other transcripts: intron variant (2).
Genome position (GRCh38, 1-based): chr11:108,343,261, T>A. VCF-style: chr11-108343261-T-A. GRCh37 (hg19) VCF-style: chr11-108213988-T-A.
Other names: c.8308T>A, p.Cys2770Ser (NM_001351834.2); c.641-34190A>T (NM_001330368.2); c.695-7969A>T (NM_001351110.2); short protein forms C2770S.
Identifiers: ClinVar variation 2987401 (VCV002987401.3), dbSNP rs749737164, ClinGen allele CA382516357.
Genomic context (GRCh38, chr11:108,343,261, plus strand): 5'-GTATTTAATCTGTAACTCCAGGTGGTTCCCCTCTCTCAGCGAAGTGGTGTTCTTGAATGG[T>A]GCACAGGAACTGTCCCCATTGGTGAATTTCTTGTTAACAATGAAGATGGTGCTCATAAAA-3'
Protein context (NP_000042.3, residues 2760-2780): LSQRSGVLEW[Cys2770Ser]TGTVPIGEFL

ClinVar aggregate classification (germline): Uncertain significance (1 of 4 stars; one submission).

Conditions:
Ataxia-telangiectasia syndrome (AT). Also called: ATAXIA-TELANGIECTASIA, COMPLEMENTATION GROUP A; ATAXIA-TELANGIECTASIA, FRESNO VARIANT; Ataxia-telangiectasia; Ataxia-telangiectasia, complementation group E; LOUIS-BAR SYNDROME; Cerebello-oculocutaneous telangiectasia. Identifiers: Orphanet 100, MedGen C0004135, MONDO:0008840, OMIM 208900.

Submission:

Labcorp Genetics (formerly Invitae), Labcorp
Classification: Uncertain significance for Ataxia-telangiectasia syndrome. Last evaluated: 2024-01-11. Review status: criteria provided, single submitter. Criteria: Invitae Variant Classification Sherloc (09022015). Collection method: clinical testing. Allele origin: germline.
Comment: This sequence change replaces cysteine, which is neutral and slightly polar, with serine, which is neutral and polar, at codon 2770 of the ATM protein (p.Cys2770Ser). This variant is not present in population databases (gnomAD no frequency). This variant has not been reported in the literature in individuals affected with ATM-related conditions. An algorithm developed to predict the effect of missense changes on protein structure and function (PolyPhen-2) suggests that this variant is likely to be disruptive. In summary, the available evidence is currently insufficient to determine the role of this variant in disease. Therefore, it has been classified as a Variant of Uncertain Significance.